The following is an entry in ClinVar:

ClinVar aggregate classification (germline): Benign/Likely benign. Review status: criteria provided, multiple submitters, no conflicts (2 of 4 stars). 29 submissions from 22 submitters: Benign (16); Likely benign (8). 5 of the submissions do not count toward it. Last evaluated 2026-08-01.

Conditions:
Cardiovascular phenotype. Identifiers: MedGen CN230736.
Cardiomyopathy (CMYO). Also called: Cardiomyopathies. Identifiers: Orphanet 167848, MedGen C0878544, MONDO:0004994, HP:0001638. Inheritance: Various modes of inheritance.
Hypertrophic cardiomyopathy. Also called: HYPERTROPHIC MYOCARDIOPATHY. Identifiers: Orphanet 217569, MedGen C0007194, MeSH D002312, MONDO:0005045, HP:0001639.
Dilated cardiomyopathy 1G (CMD1G). Identifiers: Orphanet 154, MedGen C1858763, MONDO:0011400, OMIM 604145.
Autosomal recessive limb-girdle muscular dystrophy type 2J (LGMDR10). Also called: MUSCULAR DYSTROPHY, LIMB-GIRDLE, AUTOSOMAL RECESSIVE 10; Limb-girdle muscular dystrophy, type 2J. Identifiers: Orphanet 140922, MedGen C1837342, MONDO:0012127, OMIM 608807.
Early-onset myopathy with fatal cardiomyopathy (CMYO5). Also called: CONGENITAL MYOPATHY 5 WITH CARDIOMYOPATHY; Salih Myopathy. Identifiers: Orphanet 289377, MedGen C2673677, MONDO:0012714, OMIM 611705. Disease mechanism: loss of function.
Myopathy, myofibrillar, 9, with early respiratory failure (MFM9). Also called: Myopathy, distal, with early respiratory failure, autosomal dominant; Hereditary myopathy with early respiratory failure; MYOPATHY, PROXIMAL, WITH EARLY RESPIRATORY MUSCLE INVOLVEMENT; EDSTROM MYOPATHY. Identifiers: Orphanet 178464, Orphanet 34521, MedGen C1863599, MONDO:0011362, OMIM 603689.
Tibial muscular dystrophy (TMD). Also called: Udd Distal Myopathy – Tibial Muscular Dystrophy; Tibial muscular dystrophy, tardive; UDD MYOPATHY. Identifiers: Orphanet 609, MedGen C1838244, MONDO:0010870, OMIM 600334.

Allele frequency attached by ClinVar (database versions not stated): 1000 Genomes Project 30x 0.00219; ESP Exome Variant Server 0.00792; TOPMed 0.00600; gnomAD exomes 0.00622 and 0.01023; 1000 Genomes Project 0.00220; gnomAD 0.00605 and 0.00634; ExAC 0.00698.
gnomAD v4.1: 15,669 of 1,613,676 alleles (0.97%); highest among the groups gnomAD compares: Non-Finnish European, 1.2%; 94 homozygotes.

Submissions (29):

CeGaT Center for Human Genetics Tuebingen
Classification: Benign. Last evaluated: 2026-08-01. Review status: criteria provided, single submitter. Criteria: CeGaT Center For Human Genetics Tuebingen Variant Classification Criteria Version 2. Collection method: clinical testing. Allele origin: germline. Affected: yes. Observed: 47 variant alleles.
Comment: TTN: BP4, BS1, BS2

Molecular Diagnostic Laboratory for Inherited Cardiovascular Disease, Montreal Heart Institute
Classification: Likely benign. Last evaluated: 2026-03-27. Review status: criteria provided, single submitter. Criteria: ACMG Guidelines, 2015. Collection method: clinical testing. Allele origin: germline. Affected: no.

Labcorp Genetics (formerly Invitae), Labcorp
Classification: Benign for Dilated cardiomyopathy 1G; Autosomal recessive limb-girdle muscular dystrophy type 2J. Last evaluated: 2026-02-04. Review status: criteria provided, single submitter. Criteria: Invitae Variant Classification Sherloc (09022015). Collection method: clinical testing. Allele origin: germline.

ARUP Laboratories, Molecular Genetics and Genomics, ARUP Laboratories
Classification: Benign. Last evaluated: 2025-05-26. Review status: criteria provided, single submitter. Criteria: ARUP Molecular Germline Variant Investigation Process 2024. Collection method: clinical testing. Allele origin: germline.

Blueprint Genetics
Classification: Likely benign. Last evaluated: 2024-11-22. Review status: criteria provided, single submitter. Criteria: ACMG Guidelines, 2015. Collection method: clinical testing. Allele origin: germline.

Women's Health and Genetics/Laboratory Corporation of America, LabCorp
Classification: Likely benign. Last evaluated: 2024-03-30. Review status: criteria provided, single submitter. Criteria: LabCorp Variant Classification Summary - May 2015. Collection method: clinical testing. Allele origin: germline.

Mayo Clinic Laboratories, Mayo Clinic
Classification: Benign. Last evaluated: 2023-08-24. Review status: criteria provided, single submitter. Criteria: ACMG Guidelines, 2015. Collection method: clinical testing. Allele origin: germline. Observed: 23 variant alleles.
Comment: BS1, BS2, BP4

Genome-Nilou Lab
Classification: Benign for Autosomal recessive limb-girdle muscular dystrophy type 2J. Last evaluated: 2021-09-10. Review status: criteria provided, single submitter. Criteria: ACMG Guidelines, 2015. Collection method: clinical testing. Allele origin: germline. Affected: no.

Genome-Nilou Lab
Classification: Benign for Myopathy, myofibrillar, 9, with early respiratory failure. Last evaluated: 2021-09-10. Review status: criteria provided, single submitter. Criteria: ACMG Guidelines, 2015. Collection method: clinical testing. Allele origin: germline. Affected: no.

Genome-Nilou Lab
Classification: Benign for Early-onset myopathy with fatal cardiomyopathy. Last evaluated: 2021-09-10. Review status: criteria provided, single submitter. Criteria: ACMG Guidelines, 2015. Collection method: clinical testing. Allele origin: germline. Affected: no.

Genome-Nilou Lab
Classification: Benign for Tibial muscular dystrophy. Last evaluated: 2021-09-10. Review status: criteria provided, single submitter. Criteria: ACMG Guidelines, 2015. Collection method: clinical testing. Allele origin: germline. Affected: no.

CHEO Genetics Diagnostic Laboratory, Children's Hospital of Eastern Ontario
Classification: Benign for Cardiomyopathy. Last evaluated: 2019-05-24. Review status: criteria provided, single submitter. Criteria: ACMG Guidelines, 2015. Collection method: clinical testing. Allele origin: germline. Study: Canadian Open Genetics Repository.

Center for Advanced Laboratory Medicine, UC San Diego Health, University of California San Diego
Classification: Benign for Hypertrophic cardiomyopathy; Cardiomyopathy. Last evaluated: 2018-06-15. Review status: criteria provided, single submitter. Criteria: ACMG Guidelines, 2015. Collection method: clinical testing. Allele origin: germline. Affected: yes. Observed: 2 variant alleles.

GeneDx
Classification: Benign. Last evaluated: 2018-02-14. Review status: criteria provided, single submitter. Criteria: GeneDx Variant Classification (06012015). Collection method: clinical testing. Allele origin: germline. Affected: yes.
Comment: This variant is considered likely benign or benign based on one or more of the following criteria: it is a conservative change, it occurs at a poorly conserved position in the protein, it is predicted to be benign by multiple in silico algorithms, and/or has population frequency not consistent with disease.

Illumina Laboratory Services, Illumina
Classification: Likely benign for Dilated cardiomyopathy 1G. Last evaluated: 2018-01-13. Review status: criteria provided, single submitter. Criteria: ICSL Variant Classification Criteria 13 December 2019. Collection method: clinical testing. Allele origin: germline.
Comment: This variant was observed in the ICSL laboratory as part of a predisposition screen in an ostensibly healthy population. It had not been previously curated by ICSL or reported in the Human Gene Mutation Database (HGMD: prior to June 1st, 2018), and was therefore a candidate for classification through an automated scoring system. Utilizing variant allele frequency, disease prevalence and penetrance estimates, and inheritance mode, an automated score was calculated to assess if this variant is too frequent to cause the disease. Based on the score and internal cut-off values, a variant classified as likely benign is not then subjected to further curation. The score for this variant resulted in a classification of likely benign for this disease.

Illumina Laboratory Services, Illumina
Classification: Likely benign for Autosomal recessive limb-girdle muscular dystrophy type 2J. Last evaluated: 2018-01-13. Review status: criteria provided, single submitter. Criteria: ICSL Variant Classification Criteria 13 December 2019. Collection method: clinical testing. Allele origin: germline.
Comment: the same text as in the submission from Illumina Laboratory Services, Illumina above.

Illumina Laboratory Services, Illumina
Classification: Benign for Myopathy, myofibrillar, 9, with early respiratory failure. Last evaluated: 2018-01-13. Review status: criteria provided, single submitter. Criteria: ICSL Variant Classification Criteria 13 December 2019. Collection method: clinical testing. Allele origin: germline.
Comment: This variant was observed in the ICSL laboratory as part of a predisposition screen in an ostensibly healthy population. It had not been previously curated by ICSL or reported in the Human Gene Mutation Database (HGMD: prior to June 1st, 2018), and was therefore a candidate for classification through an automated scoring system. Utilizing variant allele frequency, disease prevalence and penetrance estimates, and inheritance mode, an automated score was calculated to assess if this variant is too frequent to cause the disease. Based on the score and internal cut-off values, a variant classified as benign is not then subjected to further curation. The score for this variant resulted in a classification of benign for this disease.

Illumina Laboratory Services, Illumina
Classification: Likely benign for Early-onset myopathy with fatal cardiomyopathy. Last evaluated: 2018-01-13. Review status: criteria provided, single submitter. Criteria: ICSL Variant Classification Criteria 13 December 2019. Collection method: clinical testing. Allele origin: germline.
Comment: the same text as in the submission from Illumina Laboratory Services, Illumina above.

Illumina Laboratory Services, Illumina
Classification: Benign for Tibial muscular dystrophy. Last evaluated: 2018-01-13. Review status: criteria provided, single submitter. Criteria: ICSL Variant Classification Criteria 13 December 2019. Collection method: clinical testing. Allele origin: germline.
Comment: the same text as in the submission from Illumina Laboratory Services, Illumina above.

Genetic Services Laboratory, University of Chicago
Classification: Benign. Last evaluated: 2017-01-03. Review status: criteria provided, single submitter. Criteria: ACMG Guidelines, 2015. Collection method: clinical testing. Allele origin: germline. Affected: no.

Biesecker Lab/Clinical Genomics Section, National Institutes of Health
Classification: Benign. Last evaluated: 2013-06-24. Review status: criteria provided, single submitter. Criteria: Ng et al. (Circ Cardiovasc Genet. 2013). Collection method: research. Allele origin: unknown. Observed: 10 variant alleles. Study: ClinSeq.
Comment: The study set was not selected for affection status in relation to any cancer. Pathogenicity categories were based on literature curation. See Pubmed ID:23861362 for details.

Medical sequencing

Ambry Genetics
Classification: Likely benign for Cardiovascular phenotype. Last evaluated: 2012-09-14. Review status: criteria provided, single submitter. Criteria: Ambry Autosomal Dominant and X-Linked criteria (10/2015). Collection method: clinical testing. Allele origin: germline. Observed: 1 variant allele.

Laboratory for Molecular Medicine, Mass General Brigham Personalized Medicine
Classification: Benign. Last evaluated: 2012-05-10. Review status: criteria provided, single submitter. Criteria: LMM Criteria. Collection method: clinical testing. Allele origin: germline. Observed: 38 variant alleles.
Comment: Glu4719Gly in exon 58 of TTN: This variant is not expected to have clinical sign ificance because it has been identified in 1.1% (72/6644) of European American c hromosomes from a broad population by the NHLBI Exome Sequencing Project (dbSNP rs146983095).

Breakthrough Genomics
Classification: Likely benign. Review status: criteria provided, single submitter. Criteria: ACMG Guidelines, 2015. Collection method: not provided. Allele origin: germline. Inheritance: Autosomal recessive inheritance. Affected: yes.

Clinical Genetics DNA and cytogenetics Diagnostics Lab, Erasmus MC, Erasmus Medical Center
Classification: Benign. Review status: no assertion criteria provided. Collection method: clinical testing. Allele origin: germline. Affected: yes. Study: VKGL Data-share Consensus. Not counted in ClinVar's aggregate classification.

Clinical Genetics, Academic Medical Center
Classification: Benign. Review status: no assertion criteria provided. Collection method: clinical testing. Allele origin: germline. Affected: yes. Study: VKGL Data-share Consensus. Not counted in ClinVar's aggregate classification.

Diagnostic Laboratory, Department of Genetics, University Medical Center Groningen
Classification: Likely benign. Review status: no assertion criteria provided. Collection method: clinical testing. Allele origin: germline. Affected: yes. Study: VKGL Data-share Consensus. Not counted in ClinVar's aggregate classification.

Joint Genome Diagnostic Labs from Nijmegen and Maastricht, Radboudumc and MUMC+
Classification: Benign. Review status: no assertion criteria provided. Collection method: clinical testing. Allele origin: germline. Affected: yes. Study: VKGL Data-share Consensus. Not counted in ClinVar's aggregate classification.

Laboratory of Diagnostic Genome Analysis, Leiden University Medical Center (LUMC)
Classification: Likely benign. Review status: no assertion criteria provided. Collection method: clinical testing. Allele origin: germline. Affected: yes. Study: VKGL Data-share Consensus. Not counted in ClinVar's aggregate classification.

NM_001267550.2(TTN):c.17888A>G (p.Glu5963Gly)

Gene: TTN (titin; minus strand). Cytogenetic location: 2q31.2.
Variant type: single nucleotide variant.
Coding change: c.17888A>G on transcript NM_001267550.2 (MANE Select); coding-DNA position 17888, A replaced by G.
Protein change: p.Glu5963Gly; replaces glutamic acid 5963 with glycine.
Molecular consequence: missense variant. On other transcripts: intron variant (3).
Genome position (GRCh38, 1-based): chr2:178,730,645, T>C on the plus strand (A>G on the coding strand, the complement: TTN is on the minus strand). VCF-style: chr2-178730645-T-C. GRCh37 (hg19) VCF-style: chr2-179595372-T-C.
Other names: p.E4719G:GAA>GGA; p.Glu5646Gly; c.16937A>G, p.Glu5646Gly (NM_001256850.1); c.14156A>G, p.Glu4719Gly (NM_133378.4); c.13282+7437A>G (NM_003319.4); c.13858+7437A>G (NM_133437.4); c.13657+7437A>G (NM_133432.3); short protein forms E5963G, E4719G, E5646G.
Identifiers: ClinVar variation 46633 (VCV000046633.83), dbSNP rs146983095, ClinGen allele CA282706.